The following is an entry in ClinVar:

ClinVar aggregate classification (germline): Benign/Likely benign. Review status: criteria provided, multiple submitters, no conflicts (2 of 4 stars). 3 submissions from 3 submitters: Benign (1); Likely benign (2). Last evaluated 2025-05-02.

Conditions:
Hereditary nonpolyposis colorectal neoplasms. Identifiers: MedGen C0009405, MeSH D003123.
Hereditary cancer-predisposing syndrome. Also called: Hereditary neoplastic syndrome; Neoplastic Syndromes, Hereditary; Tumor predisposition; Hereditary Cancer Syndrome. Identifiers: Orphanet 140162, MedGen C0027672, MeSH D009386, MONDO:0015356.
Lynch syndrome 5 (LYNCH5). Also called: Hereditary non-polyposis colorectal cancer, type 5; Colorectal cancer, hereditary nonpolyposis, type 5. Identifiers: Orphanet 144, MedGen C1833477, MONDO:0013710, OMIM 614350. Disease mechanism: loss of function.

Submissions (3):

Ambry Genetics
Classification: Likely benign for Hereditary cancer-predisposing syndrome. Last evaluated: 2025-05-02. Review status: criteria provided, single submitter. Criteria: Ambry Variant Classification Scheme 2023. Collection method: clinical testing. Allele origin: germline.

Myriad Genetics, Inc.
Classification: Benign for Lynch syndrome 5. Last evaluated: 2025-01-07. Review status: criteria provided, single submitter. Criteria: Myriad Autosomal Dominant, Autosomal Recessive and X-Linked Classification Criteria (2023). Collection method: clinical testing. Allele origin: unknown.
Comment: This variant is considered benign. This variant is a silent/synonymous amino acid change and it is not expected to impact splicing.

Labcorp Genetics (formerly Invitae), Labcorp
Classification: Likely benign for Hereditary nonpolyposis colorectal neoplasms. Last evaluated: 2020-03-17. Review status: criteria provided, single submitter. Criteria: Invitae Variant Classification Sherloc (09022015). Collection method: clinical testing. Allele origin: germline.

NM_000179.3(MSH6):c.3669T>C (p.Asp1223=)

Gene: MSH6 (mutS homolog 6; plus strand). Cytogenetic location: 2p16.3.
Variant type: single nucleotide variant.
Coding change: c.3669T>C on transcript NM_000179.3 (MANE Select); coding-DNA position 3669, T replaced by C.
Protein change: p.Asp1223=; no amino-acid change (aspartic acid 1223 retained).
Molecular consequence: synonymous variant.
Genome position (GRCh38, 1-based): chr2:47,806,226, T>C. VCF-style: chr2-47806226-T-C. GRCh37 (hg19) VCF-style: chr2-48033365-T-C.
Other names: c.3669T>C (NM_000179.2); c.3279T>C, p.Asp1093= (NM_001281492.2); c.2763T>C, p.Asp921= (NM_001281493.2, NM_001281494.2).
Identifiers: ClinVar variation 1148085 (VCV001148085.11), dbSNP rs1572744487, ClinGen allele CA425997726.